The following is an entry in ClinVar:

NM_016204.4(GDF2):c.627C>T (p.Ser209=)

Gene: GDF2 (growth differentiation factor 2; plus strand). Cytogenetic location: 10q11.22.
Variant type: single nucleotide variant.
Coding change: c.627C>T on transcript NM_016204.4 (MANE Select); coding-DNA position 627, C replaced by T.
Protein change: p.Ser209=; no amino-acid change (serine 209 retained).
Molecular consequence: synonymous variant.
Genome position (GRCh38, 1-based): chr10:47,325,121, C>T. VCF-style: chr10-47325121-C-T. GRCh37 (hg19) VCF-style: chr10-48414241-G-A.
Other names: c.627C>T (NM_016204.3).
Identifiers: ClinVar variation 1658134 (VCV001658134.12), dbSNP rs374479283, ClinGen allele CA5488067.

ClinVar aggregate classification (germline): Likely benign. Review status: criteria provided, multiple submitters, no conflicts (2 of 4 stars). 3 submissions from 3 submitters: Likely benign (2). 1 of the submissions does not count toward it. Last evaluated 2025-04-27.

Conditions:
Cardiovascular phenotype. Identifiers: MedGen CN230736.
GDF2-related disorder. Also called: GDF2-related condition.
Telangiectasia, hereditary hemorrhagic, type 5 (HHT5). Identifiers: Orphanet 774, MedGen C3809710, MONDO:0014217, OMIM 615506.

Allele frequency attached by ClinVar (database versions not stated): gnomAD 0.00002; TOPMed 0.00004; ESP Exome Variant Server 0.00023.

Submissions (3):

Labcorp Genetics (formerly Invitae), Labcorp
Classification: Likely benign for Telangiectasia, hereditary hemorrhagic, type 5. Last evaluated: 2025-04-27. Review status: criteria provided, single submitter. Criteria: Invitae Variant Classification Sherloc (09022015). Collection method: clinical testing. Allele origin: germline.

Ambry Genetics
Classification: Likely benign for Cardiovascular phenotype. Last evaluated: 2022-04-23. Review status: criteria provided, single submitter. Criteria: Ambry Variant Classification Scheme 2023. Collection method: clinical testing. Allele origin: germline.

PreventionGenetics, part of Exact Sciences
Classification: Likely benign for GDF2-related condition. Last evaluated: 2019-03-12. Review status: no assertion criteria provided. Collection method: clinical testing. Allele origin: germline. Not counted in ClinVar's aggregate classification.
Comment: This variant is classified as likely benign based on ACMG/AMP sequence variant interpretation guidelines (Richards et al. 2015 PMID: 25741868, with internal and published modifications).